The following is an entry in ClinVar:

ClinVar aggregate classification (germline): Uncertain significance (1 of 4 stars; one submission).

Conditions:
Congenital myasthenic syndrome 5. Identifiers: Orphanet 590, MedGen C1864233, MONDO:0011281, OMIM 603034.

Allele frequency attached by ClinVar (database versions not stated): gnomAD exomes below 0.00001.
gnomAD v4.1: 5 of 1,614,054 alleles (0.00031%); highest among the groups gnomAD compares: Middle Eastern, 0.033%; no homozygotes.

Submission:

Labcorp Genetics (formerly Invitae), Labcorp
Classification: Uncertain significance for Congenital myasthenic syndrome 5. Last evaluated: 2025-08-18. Review status: criteria provided, single submitter. Criteria: Invitae Variant Classification Sherloc (09022015). Collection method: clinical testing. Allele origin: germline.
Comment: This sequence change replaces proline, which is neutral and non-polar, with histidine, which is basic and polar, at codon 229 of the COLQ protein (p.Pro229His). This variant is not present in population databases (gnomAD no frequency). This variant has not been reported in the literature in individuals affected with COLQ-related conditions. ClinVar contains an entry for this variant (Variation ID: 970594). Invitae Evidence Modeling of protein sequence and biophysical properties (such as structural, functional, and spatial information, amino acid conservation, physicochemical variation, residue mobility, and thermodynamic stability) indicates that this missense variant is not expected to disrupt COLQ protein function with a negative predictive value of 80%. In summary, the available evidence is currently insufficient to determine the role of this variant in disease. Therefore, it has been classified as a Variant of Uncertain Significance.

NM_005677.4(COLQ):c.686C>A (p.Pro229His)

Gene: COLQ (collagen like tail subunit of asymmetric acetylcholinesterase; minus strand). Cytogenetic location: 3p25.1.
Variant type: single nucleotide variant.
Coding change: c.686C>A on transcript NM_005677.4 (MANE Select); coding-DNA position 686, C replaced by A.
Protein change: p.Pro229His; replaces proline 229 with histidine.
Molecular consequence: missense variant.
Genome position (GRCh38, 1-based): chr3:15,470,567, G>T on the plus strand (C>A on the coding strand, the complement: COLQ is on the minus strand). VCF-style: chr3-15470567-G-T. GRCh37 (hg19) VCF-style: chr3-15512074-G-T.
Other names: c.656C>A, p.Pro219His (NM_080538.2); c.584C>A, p.Pro195His (NM_080539.4); short protein forms P219H, P229H, P195H.
Identifiers: ClinVar variation 970594 (VCV000970594.10), dbSNP rs2062264716, ClinGen allele CA351597993.